The following is an entry in ClinVar:

ClinVar aggregate classification (germline): Uncertain significance (1 of 4 stars; one submission).

Submission:

Labcorp Genetics (formerly Invitae), Labcorp
Classification: Uncertain significance. Last evaluated: 2024-01-19. Review status: criteria provided, single submitter. Criteria: Invitae Variant Classification Sherloc (09022015). Collection method: clinical testing. Allele origin: germline.
Comment: This sequence change replaces leucine, which is neutral and non-polar, with valine, which is neutral and non-polar, at codon 209 of the DNAJC17 protein (p.Leu209Val). This variant is not present in population databases (gnomAD no frequency). This variant has not been reported in the literature in individuals affected with DNAJC17-related conditions. ClinVar contains an entry for this variant (Variation ID: 1993308). An algorithm developed to predict the effect of missense changes on protein structure and function (PolyPhen-2) suggests that this variant is likely to be tolerated. In summary, the available evidence is currently insufficient to determine the role of this variant in disease. Therefore, it has been classified as a Variant of Uncertain Significance.

NM_018163.3(DNAJC17):c.625C>G (p.Leu209Val)

Gene: DNAJC17 (DnaJ heat shock protein family (Hsp40) member C17; minus strand). Cytogenetic location: 15q15.1.
Variant type: single nucleotide variant.
Coding change: c.625C>G on transcript NM_018163.3 (MANE Select); coding-DNA position 625, C replaced by G.
Protein change: p.Leu209Val; replaces leucine 209 with valine.
Molecular consequence: missense variant.
Genome position (GRCh38, 1-based): chr15:40,774,412, G>C on the plus strand (C>G on the coding strand, the complement: DNAJC17 is on the minus strand). VCF-style: chr15-40774412-G-C. GRCh37 (hg19) VCF-style: chr15-41066610-G-C.
Other names: short protein forms L209V.
Identifiers: ClinVar variation 1993308 (VCV001993308.4), dbSNP rs2504658491, ClinGen allele CA391762967.
Genomic context (GRCh38, chr15:40,774,412, plus strand): 5'-TCACCGCTGCCTTGACGGTTGCAAACTCCACCACAGCAGTGCCTGGCTTCTTACTGGAAA[G>C]CACCAGGTTGAGAACCTCACCATACTGTGGGGACAAAGGGGTCCTAATAAGCATGACTTG-3'
Protein context (NP_060633.1, residues 199-219): QKYGEVLNLV[Leu209Val]SSKKPGTAVV